The following is an entry in ClinVar:

ClinVar aggregate classification (germline): Uncertain significance (1 of 4 stars; one submission).

Submission:

GeneDx
Classification: Uncertain significance. Last evaluated: 2024-05-21. Review status: criteria provided, single submitter. Criteria: GeneDx Variant Classification Process June 2021. Collection method: clinical testing. Allele origin: germline. Affected: yes.
Comment: Not observed at significant frequency in large population cohorts (gnomAD); In silico analysis supports that this missense variant has a deleterious effect on protein structure/function; In silico analysis suggests this variant may impact gene splicing. In the absence of RNA/functional studies, the actual effect of this sequence change is unknown.; Has not been previously published as pathogenic or benign to our knowledge; Variants in candidate genes are classified as variants of uncertain significance in accordance with ACMG guidelines (PMID: 25741868)

NM_003750.4(EIF3A):c.617C>T (p.Ser206Leu)

Gene: EIF3A (eukaryotic translation initiation factor 3 subunit A; minus strand). Cytogenetic location: 10q26.11.
Variant type: single nucleotide variant.
Coding change: c.617C>T on transcript NM_003750.4 (MANE Select); coding-DNA position 617, C replaced by T.
Protein change: p.Ser206Leu; replaces serine 206 with leucine.
Molecular consequence: missense variant.
Genome position (GRCh38, 1-based): chr10:119,071,010, G>A on the plus strand (C>T on the coding strand, the complement: EIF3A is on the minus strand). VCF-style: chr10-119071010-G-A. GRCh37 (hg19) VCF-style: chr10-120830522-G-A.
Other names: short protein forms S206L.
Identifiers: ClinVar variation 4529736 (VCV004529736.1).